The following is an entry in ClinVar:

ClinVar aggregate classification (germline): Benign/Likely benign. Review status: criteria provided, multiple submitters, no conflicts (2 of 4 stars). 7 submissions from 7 submitters: Benign (2); Likely benign (2). 3 of the submissions do not count toward it. Last evaluated 2026-02-02.

Conditions:
Niemann-Pick disease, type C1. Also called: NIEMANN-PICK DISEASE, VARIANT TYPE C1; NEUROVISCERAL STORAGE DISEASE WITH VERTICAL SUPRANUCLEAR OPHTHALMOPLEGIA; NIEMANN-PICK DISEASE WITH CHOLESTEROL ESTERIFICATION BLOCK; NIEMANN-PICK DISEASE WITHOUT SPHINGOMYELINASE DEFICIENCY; NIEMANN-PICK DISEASE, CHRONIC NEURONOPATHIC FORM. Identifiers: Orphanet 646, MedGen C3179455, MONDO:0009757, OMIM 257220.

Allele frequency attached by ClinVar (database versions not stated): 1000 Genomes Project 0.00339.
gnomAD v4.1: 854 of 1,415,994 alleles (0.06%); highest among the groups gnomAD compares: African/African-American, 1%; 32 homozygotes.

Submissions (7):

Labcorp Genetics (formerly Invitae), Labcorp
Classification: Likely benign for Niemann-Pick disease, type C1. Last evaluated: 2026-02-02. Review status: criteria provided, single submitter. Criteria: Invitae Variant Classification Sherloc (09022015). Collection method: clinical testing. Allele origin: germline.

Mayo Clinic Laboratories, Mayo Clinic
Classification: Benign. Last evaluated: 2023-05-18. Review status: criteria provided, single submitter. Criteria: ACMG Guidelines, 2015. Collection method: clinical testing. Allele origin: germline. Observed: 5 variant alleles.
Comment: BA1, BP4, BP7

GeneDx
Classification: Likely benign. Last evaluated: 2021-04-29. Review status: criteria provided, single submitter. Criteria: GeneDx Variant Classification Process June 2021. Collection method: clinical testing. Allele origin: germline. Affected: yes.

Eurofins Ntd Llc (ga)
Classification: Benign. Last evaluated: 2015-07-23. Review status: criteria provided, single submitter. Criteria: EGL Classification Definitions 2015. Collection method: clinical testing. Allele origin: germline. Observed: 3 variant alleles, 3 heterozygotes.

Clinical Genetics DNA and cytogenetics Diagnostics Lab, Erasmus MC, Erasmus Medical Center
Classification: Benign. Review status: no assertion criteria provided. Collection method: clinical testing. Allele origin: germline. Affected: yes. Study: VKGL Data-share Consensus. Not counted in ClinVar's aggregate classification.

Genome Diagnostics Laboratory, Amsterdam University Medical Center
Classification: Likely benign. Review status: no assertion criteria provided. Collection method: clinical testing. Allele origin: germline. Affected: yes. Study: VKGL Data-share Consensus. Not counted in ClinVar's aggregate classification.

Genome Diagnostics Laboratory, University Medical Center Utrecht
Classification: Likely benign. Review status: no assertion criteria provided. Collection method: clinical testing. Allele origin: germline. Affected: yes. Study: VKGL Data-share Consensus. Not counted in ClinVar's aggregate classification.

Literature cited by the submitters: PubMed 28222799 (cited by Mayo Clinic Laboratories, Mayo Clinic).

NM_000271.5(NPC1):c.1947+10G>A

Gene: NPC1 (NPC intracellular cholesterol transporter 1; minus strand). Cytogenetic location: 18q11.2.
Variant type: single nucleotide variant.
Coding change: c.1947+10G>A on transcript NM_000271.5 (MANE Select); 10 bases into the intron after coding-DNA position 1947, G replaced by A.
Molecular consequence: intron variant.
Genome position (GRCh38, 1-based): chr18:23,544,950, C>T on the plus strand (G>A on the coding strand, the complement: NPC1 is on the minus strand). VCF-style: chr18-23544950-C-T. GRCh37 (hg19) VCF-style: chr18-21124914-C-T.
Other names: p.?.
Identifiers: ClinVar variation 281050 (VCV000281050.21), dbSNP rs71534236, ClinGen allele CA8913323.